The following is an entry in ClinVar:

NC_000009.12:g.(?_6558539)_(6645519_?)del

Gene: GLDC (glycine decarboxylase; minus strand). Cytogenetic location: 9p24.1.
Variant type: Deletion.
Identifiers: ClinVar variation 832957 (VCV000832957.1).

ClinVar aggregate classification (germline): Pathogenic (1 of 4 stars; one submission).

Conditions:
Glycine encephalopathy. Also called: Nonketotic hyperglycinemia; Non-ketotic hyperglycinemia. Identifiers: Orphanet 407, MedGen C0751748, MONDO:0011612, HP:0008288.

Submission:

Labcorp Genetics (formerly Invitae), Labcorp
Classification: Pathogenic for Non-ketotic hyperglycinemia. Last evaluated: 2019-07-30. Review status: criteria provided, single submitter. Criteria: Invitae Variant Classification Sherloc (09022015). Collection method: clinical testing. Allele origin: germline.
Comment: This variant is a gross deletion of the genomic region encompassing exons 1-17 of the GLDC gene, which includes the initiator codon. The 5' end of this event is unknown as it extends beyond the assayed region for this gene and therefore may encompass additional genes. The 3' boundary is likely confined to intron 17 of the GLDC gene. This is expected to result in an absent or disrupted protein product. This variant has been observed in individuals with glycine encephalopathy (PMID: 26179960, 17361008). In at least one individual the data is consistent with the variant being in trans (on the opposite chromosome) from a pathogenic variant. Loss-of-function variants in GLDC are known to be pathogenic (PMID: 16601880). For these reasons, this variant has been classified as Pathogenic.

Literature cited by the submitters: PubMed 26179960; PubMed 17361008.